The following is an entry in ClinVar:

ClinVar aggregate classification (germline): Uncertain significance. Review status: criteria provided, multiple submitters, no conflicts (2 of 4 stars). 2 submissions from 2 submitters: Uncertain significance (2). Last evaluated 2022-04-13.

Conditions:
Muscular dystrophy-dystroglycanopathy type B6 (MDDGB6). Also called: MUSCULAR DYSTROPHY-DYSTROGLYCANOPATHY (CONGENITAL WITH IMPAIRED INTELLECTUAL DEVELOPMENT), TYPE B, 6; MUSCULAR DYSTROPHY, CONGENITAL, LARGE-RELATED; MUSCULAR DYSTROPHY, CONGENITAL, TYPE 1D. Identifiers: MedGen C1837229, MONDO:0012138, OMIM 608840.

Allele frequency attached by ClinVar (database versions not stated): gnomAD exomes below 0.00001; ExAC 0.00001; TOPMed 0.00003.
gnomAD v4.1: 2 of 1,614,108 alleles (0.00012%); highest among the groups gnomAD compares: Admixed American, 0.0033%; no homozygotes.

Submissions (2):

Labcorp Genetics (formerly Invitae), Labcorp
Classification: Uncertain significance for Muscular dystrophy-dystroglycanopathy type B6. Last evaluated: 2022-04-13. Review status: criteria provided, single submitter. Criteria: Invitae Variant Classification Sherloc (09022015). Collection method: clinical testing. Allele origin: germline.
Comment: This sequence change replaces alanine, which is neutral and non-polar, with serine, which is neutral and polar, at codon 149 of the LARGE1 protein (p.Ala149Ser). This variant is present in population databases (rs760072762, gnomAD 0.006%). This variant has not been reported in the literature in individuals affected with LARGE1-related conditions. Algorithms developed to predict the effect of missense changes on protein structure and function (SIFT, PolyPhen-2, Align-GVGD) all suggest that this variant is likely to be tolerated. In summary, the available evidence is currently insufficient to determine the role of this variant in disease. Therefore, it has been classified as a Variant of Uncertain Significance.

Revvity Omics, Revvity
Classification: Uncertain significance. Last evaluated: 2021-06-17. Review status: criteria provided, single submitter. Criteria: ACMG Guidelines, 2015. Collection method: clinical testing. Allele origin: germline.

NM_133642.5(LARGE1):c.445G>T (p.Ala149Ser)

Gene: LARGE1 (LARGE xylosyl- and glucuronyltransferase 1; minus strand). Cytogenetic location: 22q12.3.
Variant type: single nucleotide variant.
Coding change: c.445G>T on transcript NM_133642.5 (MANE Select); coding-DNA position 445, G replaced by T.
Protein change: p.Ala149Ser; replaces alanine 149 with serine.
Molecular consequence: missense variant.
Genome position (GRCh38, 1-based): chr22:33,626,290, C>A on the plus strand (G>T on the coding strand, the complement: LARGE1 is on the minus strand). VCF-style: chr22-33626290-C-A. GRCh37 (hg19) VCF-style: chr22-34022274-C-A.
Other names: c.445G>T (NM_004737.6); c.445G>T, p.Ala149Ser (NM_001362949.2, NM_001362951.2, NM_001362953.2 and 7 more transcripts); short protein forms A149S.
Identifiers: ClinVar variation 2165976 (VCV002165976.4), dbSNP rs760072762, ClinGen allele CA10203041.